The following is an entry in ClinVar:

ClinVar aggregate classification (germline): Likely pathogenic (1 of 4 stars; one submission).

Conditions:
Osteogenesis imperfecta with normal sclerae, dominant form (OI4). Also called: OSTEOGENESIS IMPERFECTA, TYPE IV, WITH DENTINOGENESIS IMPERFECTA; Osteogenesis imperfecta type 4; OSTEOGENESIS IMPERFECTA WITH NORMAL SCLERAE; Osteogenesis Imperfecta Type IV; Common Variable Osteogenesis Imperfecta with Normal Sclerae. Identifiers: Orphanet 216820, Orphanet 666, MedGen C0268363, MONDO:0008148, OMIM 166220.

Submission:

Centre for Mendelian Genomics, University Medical Centre Ljubljana
Classification: Likely pathogenic for Osteogenesis imperfecta with normal sclerae, dominant form. Last evaluated: 2020-03-20. Review status: criteria provided, single submitter. Criteria: ACMG Guidelines, 2015. Collection method: clinical testing. Allele origin: unknown. Affected: yes.
Comment: This variant was classified as: Likely pathogenic. The following ACMG criteria were applied in classifying this variant: PM1_STR,PM2,PP3,PS4_MOD.

NM_000089.4(COL1A2):c.2306G>T (p.Gly769Val)

Gene: COL1A2 (collagen type I alpha 2 chain; plus strand). Cytogenetic location: 7q21.3.
Variant type: single nucleotide variant.
Coding change: c.2306G>T on transcript NM_000089.4 (MANE Select); coding-DNA position 2306, G replaced by T.
Protein change: p.Gly769Val; replaces glycine 769 with valine.
Molecular consequence: missense variant.
Genome position (GRCh38, 1-based): chr7:94,421,019, G>T. VCF-style: chr7-94421019-G-T. GRCh37 (hg19) VCF-style: chr7-94050331-G-T.
Other names: short protein forms G769V.
Identifiers: ClinVar variation 931916 (VCV000931916.3), dbSNP rs72658184, ClinGen allele CA162936472.